The following is an entry in ClinVar:

NM_007194.4(CHEK2):c.600del (p.Phe202fs)

Gene: CHEK2 (checkpoint kinase 2; minus strand). Cytogenetic location: 22q12.1.
Variant type: Deletion.
Coding change: c.600del on transcript NM_007194.4 (MANE Select); coding-DNA position 600, one base deleted (C; older notation c.600delC).
Protein change: p.Phe202fs; shifts the reading frame from phenylalanine 202.
Molecular consequence: frameshift variant. On other transcripts: 5 prime UTR variant (2), intron variant (1).
Genome position (GRCh38, 1-based): chr22:28,719,478, G deleted on the plus strand (C on the coding strand, the reverse complement: CHEK2 is on the minus strand). VCF-style (leftmost placement, unchanged base first): chr22-28719477-AG-A. GRCh37 (hg19) VCF-style: chr22-29115465-AG-A.
Other names: c.729del, p.Phe245fs (NM_001005735.3, NM_001438294.1); c.-64del (NM_001257387.3, NM_001437942.1); c.693del, p.Phe233fs (NM_001438293.1, NM_001438295.1); c.600del, p.Phe202fs (NM_145862.3); c.482+5408del (NM_001349956.3); short protein forms F245fs, F202fs, F233fs.
Identifiers: ClinVar variation 460845 (VCV000460845.13), dbSNP rs1555924538, ClinGen allele CA658656819.
Genomic context (GRCh38, chr22:28,719,477, plus strand): 5'-TGTATTCATCTCTTAATGCCTTAGGATAAACTGACTGATCATCTACAGTCAGATCAAAAA[AG>A]ACAAAAACTAAGGAAGAAAAGAGTAGAAATGGGTTTCATTAATTTATTCACAAGAGGCGA-3'

ClinVar aggregate classification (germline): Pathogenic. Review status: criteria provided, multiple submitters, no conflicts (2 of 4 stars). 3 submissions from 3 submitters: Pathogenic (3). Last evaluated 2026-04-02.

Conditions:
Hereditary cancer-predisposing syndrome. Also called: Hereditary Cancer Syndrome; Tumor predisposition; Hereditary neoplastic syndrome; Neoplastic Syndromes, Hereditary. Identifiers: Orphanet 140162, MedGen C0027672, MeSH D009386, MONDO:0015356.
Familial cancer of breast. Also called: Hereditary breast cancer; BREAST CANCER, FAMILIAL; hereditary breast carcinoma. Identifiers: Orphanet 227535, MedGen C0346153, MONDO:0016419, OMIM 114480. Disease mechanism: loss of function.

Allele frequency attached by ClinVar (database versions not stated): gnomAD exomes below 0.00001.

Submissions (3):

Ambry Genetics
Classification: Pathogenic for Hereditary cancer-predisposing syndrome. Last evaluated: 2026-04-02. Review status: criteria provided, single submitter. Criteria: Ambry Variant Classification Scheme 2023. Collection method: clinical testing. Allele origin: germline.
Comment: The c.600delC pathogenic mutation, located in coding exon 4 of the CHEK2 gene, results from a deletion of one nucleotide at nucleotide position 600, causing a translational frameshift with a predicted alternate stop codon (p.F202Lfs*3). This variant is considered to be rare based on population cohorts in the Genome Aggregation Database (gnomAD). This alteration is expected to result in loss of function by premature protein truncation or nonsense-mediated mRNA decay. As such, this alteration is interpreted as a disease-causing mutation.

Myriad Genetics, Inc.
Classification: Pathogenic for Familial cancer of breast. Last evaluated: 2023-06-26. Review status: criteria provided, single submitter. Criteria: Myriad Autosomal Dominant, Autosomal Recessive and X-Linked Classification Criteria (2023). Collection method: clinical testing. Allele origin: unknown.
Comment: This variant is considered pathogenic. This variant creates a frameshift predicted to result in premature protein truncation.

Labcorp Genetics (formerly Invitae), Labcorp
Classification: Pathogenic for Familial cancer of breast. Last evaluated: 2017-08-05. Review status: criteria provided, single submitter. Criteria: Invitae Variant Classification Sherloc (09022015). Collection method: clinical testing. Allele origin: germline.
Comment: This sequence change deletes 1 nucleotide from exon 5 of the CHEK2 mRNA (c.600delC), causing a frameshift at codon 202. This creates a premature translational stop signal (p.Phe202Leufs*3) and is expected to result in an absent or disrupted protein product. For these reasons, this variant has been classified as Pathogenic. While this particular variant has not been reported in the literature, loss-of-function variants in CHEK2 are known to be pathogenic (PMID: 21876083, 24713400).

Literature cited by the submitters: PubMed 21876083 (cited by Labcorp Genetics (formerly Invitae), Labcorp); PubMed 24713400 (cited by Labcorp Genetics (formerly Invitae), Labcorp).